The following is an entry in ClinVar:

NM_005327.7(HADH):c.220C>T (p.Leu74Phe)

Gene: HADH (hydroxyacyl-CoA dehydrogenase; plus strand). Cytogenetic location: 4q25.
Variant type: single nucleotide variant.
Coding change: c.220C>T on transcript NM_005327.7 (MANE Select); coding-DNA position 220, C replaced by T.
Protein change: p.Leu74Phe; replaces leucine 74 with phenylalanine.
Molecular consequence: missense variant.
Genome position (GRCh38, 1-based): chr4:108,009,846, C>T. VCF-style: chr4-108009846-C-T. GRCh37 (hg19) VCF-style: chr4-108931002-C-T.
Other names: c.220C>T, p.Leu74Phe (NM_001184705.4); c.232C>T, p.Leu78Phe (NM_001331027.2); short protein forms L74F, L78F.
Identifiers: ClinVar variation 1386460 (VCV001386460.5), dbSNP rs1735422340, ClinGen allele CA357830812.
Genomic context (GRCh38, chr4:108,009,846, plus strand): 5'-GTGTTGGTAGACCAGACAGAGGACATCCTGGCAAAATCCAAAAAGGGAATTGAGGAAAGC[C>T]TTAGGAAAGTGGCAAAGAAGAAGTTTGCAGAAAACCTTAAGGTAATTTCTTATTATCGAT-3'
Protein context (NP_005318.6, residues 64-84): AKSKKGIEES[Leu74Phe]RKVAKKKFAE

ClinVar aggregate classification (germline): Uncertain significance (1 of 4 stars; one submission).

Conditions:
Deficiency of 3-hydroxyacyl-CoA dehydrogenase. Also called: 3-hydroxyacyl-CoA dehydrogenase deficiency; HADH DEFICIENCY. Identifiers: Orphanet 309127, Orphanet 71212, MedGen C1291230, MONDO:0017715, OMIM 231530.

Submission:

Labcorp Genetics (formerly Invitae), Labcorp
Classification: Uncertain significance for Deficiency of 3-hydroxyacyl-CoA dehydrogenase. Last evaluated: 2022-04-19. Review status: criteria provided, single submitter. Criteria: Invitae Variant Classification Sherloc (09022015). Collection method: clinical testing. Allele origin: germline.
Comment: In summary, the available evidence is currently insufficient to determine the role of this variant in disease. Therefore, it has been classified as a Variant of Uncertain Significance. Algorithms developed to predict the effect of missense changes on protein structure and function are either unavailable or do not agree on the potential impact of this missense change (SIFT: "Deleterious"; PolyPhen-2: "Probably Damaging"; Align-GVGD: "Class C0"). This variant has not been reported in the literature in individuals affected with HADH-related conditions. This variant is not present in population databases (gnomAD no frequency). This sequence change replaces leucine, which is neutral and non-polar, with phenylalanine, which is neutral and non-polar, at codon 74 of the HADH protein (p.Leu74Phe).